The following is an entry in ClinVar:

ClinVar aggregate classification (germline): Likely pathogenic (1 of 4 stars; one submission).

Conditions:
Autosomal recessive nonsyndromic hearing loss 4 (DFNB4). Also called: NEUROSENSORY NONSYNDROMIC RECESSIVE DEAFNESS 4; FOXI1-Related Pendred Syndrome; KCNJ10-Related Pendred Syndrome; DEAFNESS, AUTOSOMAL RECESSIVE 4, WITH ENLARGED VESTIBULAR AQUEDUCT, DIGENIC; Deafness, autosomal recessive 4, with enlarged vestibular aqueduct; Enlarged vestibular aqueduct, digenic. Identifiers: Orphanet 90636, MedGen C3538946, MONDO:0010933, OMIM 600791.

gnomAD v4.1: 1 of 1,608,054 alleles (0.000062%); highest among the groups gnomAD compares: South Asian, 0.0011%; no homozygotes.

Submission:

King Laboratory, University of Washington
Classification: Likely pathogenic for Autosomal recessive nonsyndromic hearing loss 4. Last evaluated: 2023-02-28. Review status: criteria provided, single submitter. Criteria: Li et al. (Genet Med. 2022). Collection method: research. Allele origin: unknown. Affected: yes.
Comment: This variant was found in compound heterozygosity with an SLC26A4 missense variant that is known to be pathogenic, in a patient with bilateral sensorineural hearing loss of onset <18 years and enlarged vestibular aqueduct, in a study of pediatric hearing loss conducted by the King Laboratory (Carlson RJ et al. JAMA-OtoHNS 2023). This variant is a missense at a highly conserved site and is predicted to be damaging by multiple in-silico tools. As of January 2023, this variant has not been reported to ClinVar and is found in one heterozygous individual on gnomAD. Based on compound heterozygosity with a known pathogenic variant, consistently predicted functional effect, and goodness of fit of genotype to phenotype, we conclude that this variant is likely pathogenic.

Literature cited by the submitters: PubMed 36633841.

NM_000441.2(SLC26A4):c.1730T>G (p.Val577Gly)

Gene: SLC26A4 (solute carrier family 26 member 4; plus strand). Cytogenetic location: 7q22.3.
Variant type: single nucleotide variant.
Coding change: c.1730T>G on transcript NM_000441.2 (MANE Select); coding-DNA position 1730, T replaced by G.
Protein change: p.Val577Gly; replaces valine 577 with glycine.
Molecular consequence: missense variant.
Genome position (GRCh38, 1-based): chr7:107,701,123, T>G. VCF-style: chr7-107701123-T-G. GRCh37 (hg19) VCF-style: chr7-107341568-T-G.
Other names: short protein forms V577G.
Identifiers: ClinVar variation 2445632 (VCV002445632.1), dbSNP rs56017519, ClinGen allele CA4432933.
Genomic context (GRCh38, chr7:107,701,123, plus strand): 5'-GCCAGGCATTTTAAGTAACTTGACATTTATTTCCAAAGGTTGGATTTGATGCCATTAGAG[T>G]ATATAATAAGAGGCTGAAAGCGCTGAGGAAAATACAGAAACTAATAAAAAGTGGACAATT-3'
Protein context (NP_000432.1, residues 567-587): KSTVGFDAIR[Val577Gly]YNKRLKALRK